The following is an entry in ClinVar:

NM_153240.5(NPHP3):c.224A>G (p.Lys75Arg)

Genes: NPHP3 (nephrocystin 3; minus strand), NPHP3-ACAD11 (NPHP3-ACAD11 readthrough (NMD candidate); minus strand), NPHP3-AS1 (NPHP3 antisense RNA 1; plus strand), LOC129937586 (ATAC-STARR-seq lymphoblastoid silent region 14743; plus strand). Cytogenetic location: 3q22.1.
Variant type: single nucleotide variant.
Coding change: c.224A>G on transcript NM_153240.5 (MANE Select); coding-DNA position 224, A replaced by G.
Protein change: p.Lys75Arg; replaces lysine 75 with arginine.
Molecular consequence: missense variant. On other transcripts: non-coding transcript variant (3).
Genome position (GRCh38, 1-based): chr3:132,722,132, T>C on the plus strand (A>G on the coding strand, the complement: NPHP3 is on the minus strand). VCF-style: chr3-132722132-T-C. GRCh37 (hg19) VCF-style: chr3-132440976-T-C.
Other names: short protein forms K75R.
Identifiers: ClinVar variation 1421374 (VCV001421374.7), dbSNP rs1217928367, ClinGen allele CA354589296.
Genomic context (GRCh38, chr3:132,722,132, plus strand): 5'-CTGAGCCGCTCGTACTCGGCCGCCGCGTACTCCAGCTCTGGCACCGACGAGCCAGTGGAC[T>C]TGAAGCTGGCCCCCAGCAGCCCGCCCGCGCCCACCCCGCGGGGCAGCGACCCGGGCCCGG-3'
Protein context (NP_694972.3, residues 65-85): GAGGLLGASF[Lys75Arg]STGSSVPELE

ClinVar aggregate classification (germline): Uncertain significance. Review status: criteria provided, multiple submitters, no conflicts (2 of 4 stars). 2 submissions from 2 submitters: Uncertain significance (2). Last evaluated 2022-07-19.

Conditions:
Nephronophthisis. Also called: Juvenile Nephronophthisis. Identifiers: Orphanet 655, MedGen C0687120, MONDO:0019005, HP:0000090.
NPHP3-related Meckel-like syndrome. Also called: Meckel syndrome type 7; GOLDSTON SYNDROME. Identifiers: Orphanet 3032, MedGen C2673885, MONDO:0009966, OMIM 267010.
Renal-hepatic-pancreatic dysplasia 1 (RHPD1). Identifiers: MedGen C3715199, MONDO:0008833, OMIM 208540.
Nephronophthisis 3 (NPHP3). Also called: Adolescent nephronophthisis. Identifiers: Orphanet 655, MedGen C1858392, MONDO:0011456, OMIM 604387.

Allele frequency attached by ClinVar (database versions not stated): gnomAD 0.00001.
gnomAD v4.1: 2 of 1,603,138 alleles (0.00012%); highest among the groups gnomAD compares: Admixed American, 0.0017%; no homozygotes.

Submissions (2):

Labcorp Genetics (formerly Invitae), Labcorp
Classification: Uncertain significance for Nephronophthisis. Last evaluated: 2022-07-19. Review status: criteria provided, single submitter. Criteria: Invitae Variant Classification Sherloc (09022015). Collection method: clinical testing. Allele origin: germline.
Comment: Algorithms developed to predict the effect of missense changes on protein structure and function output the following: SIFT: "Deleterious"; PolyPhen-2: "Benign"; Align-GVGD: "Class C0". The arginine amino acid residue is found in multiple mammalian species, which suggests that this missense change does not adversely affect protein function. In summary, the available evidence is currently insufficient to determine the role of this variant in disease. Therefore, it has been classified as a Variant of Uncertain Significance. ClinVar contains an entry for this variant (Variation ID: 1421374). This variant has not been reported in the literature in individuals affected with NPHP3-related conditions. This variant is not present in population databases (gnomAD no frequency). This sequence change replaces lysine, which is basic and polar, with arginine, which is basic and polar, at codon 75 of the NPHP3 protein (p.Lys75Arg).

Fulgent Genetics
Classification: Uncertain significance for Renal-hepatic-pancreatic dysplasia 1; NPHP3-related Meckel-like syndrome; Nephronophthisis 3. Last evaluated: 2022-02-04. Review status: criteria provided, single submitter. Criteria: ACMG Guidelines, 2015. Collection method: clinical testing. Allele origin: unknown.